The following is an entry in ClinVar:

NM_001378418.1(TCF20):c.3544C>G (p.Gln1182Glu)

Gene: TCF20 (transcription factor 20; minus strand). Cytogenetic location: 22q13.2.
Variant type: single nucleotide variant.
Coding change: c.3544C>G on transcript NM_001378418.1 (MANE Select); coding-DNA position 3544, C replaced by G.
Protein change: p.Gln1182Glu; replaces glutamine 1182 with glutamic acid.
Molecular consequence: missense variant.
Genome position (GRCh38, 1-based): chr22:42,211,762, G>C on the plus strand (C>G on the coding strand, the complement: TCF20 is on the minus strand). VCF-style: chr22-42211762-G-C. GRCh37 (hg19) VCF-style: chr22-42607768-G-C.
Other names: c.3544C>G, p.Gln1182Glu (NM_005650.4, NM_181492.3); short protein forms Q1182E.
Identifiers: ClinVar variation 1684138 (VCV001684138.2), dbSNP rs2147204939, ClinGen allele CA411786259.

ClinVar aggregate classification (germline): Uncertain significance (1 of 4 stars; one submission).

Submission:

GeneDx
Classification: Uncertain significance. Last evaluated: 2021-11-16. Review status: criteria provided, single submitter. Criteria: GeneDx Variant Classification Process June 2021. Collection method: clinical testing. Allele origin: germline. Affected: yes.
Comment: Not observed at significant frequency in large population cohorts (gnomAD); In silico analysis supports that this missense variant does not alter protein structure/function; Has not been previously published as pathogenic or benign to our knowledge